The following is an entry in ClinVar:

ClinVar aggregate classification (germline): Conflicting classifications of pathogenicity. Review status: criteria provided, conflicting classifications (1 of 4 stars). 13 submissions from 13 submitters: Uncertain significance (3); Benign (1); Likely benign (5). 4 of the submissions do not count toward it. Last evaluated 2026-08-07.

Conditions:
AARS1-related disorder. Also called: AARS1-related condition.
Charcot-Marie-Tooth disease. Also called: Charcot-Marie-Tooth Hereditary Neuropathy; Charcot-Marie-Tooth Neuropathy. Identifiers: Orphanet 166, MedGen C0007959, MONDO:0015626.
Inborn genetic diseases. Identifiers: MedGen C0950123, MeSH D030342.
Charcot-Marie-Tooth disease type 2. Also called: Charcot-Marie-Tooth type 2. Identifiers: Orphanet 64746, MedGen C0270914, MONDO:0018993.
Charcot-Marie-Tooth disease axonal type 2N (CMT2N). Also called: Charcot-Marie-Tooth Neuropathy Type 2N; CHARCOT-MARIE-TOOTH DISEASE, AXONAL, AUTOSOMAL DOMINANT, TYPE 2N; CHARCOT-MARIE-TOOTH NEUROPATHY, AXONAL, TYPE 2N. Identifiers: Orphanet 228174, MedGen C2750090, MONDO:0013212, OMIM 613287.

Allele frequency attached by ClinVar (database versions not stated): 1000 Genomes Project 0.00040; 1000 Genomes Project 30x 0.00047; ExAC 0.00051; ESP Exome Variant Server 0.00054; gnomAD exomes 0.00065 and 0.00133; TOPMed 0.00068; gnomAD 0.00070 and 0.00072.
gnomAD v4.1: 2,012 of 1,613,164 alleles (0.12%); highest among the groups gnomAD compares: Non-Finnish European, 0.16%; 3 homozygotes.

Submissions (13):

Ambry Genetics
Classification: Likely benign for Inborn genetic diseases. Last evaluated: 2026-08-07. Review status: criteria provided, single submitter. Criteria: Ambry Variant Classification Scheme 2023. Collection method: clinical testing. Allele origin: germline.

Labcorp Genetics (formerly Invitae), Labcorp
Classification: Likely benign for Charcot-Marie-Tooth disease type 2. Last evaluated: 2026-01-28. Review status: criteria provided, single submitter. Criteria: Invitae Variant Classification Sherloc (09022015). Collection method: clinical testing. Allele origin: germline.

CeGaT Center for Human Genetics Tuebingen
Classification: Likely benign. Last evaluated: 2026-01-01. Review status: criteria provided, single submitter. Criteria: CeGaT Center For Human Genetics Tuebingen Variant Classification Criteria Version 2. Collection method: clinical testing. Allele origin: germline. Affected: yes. Observed: 3 variant alleles.
Comment: AARS1: BP4

PreventionGenetics, part of Exact Sciences
Classification: Likely benign for AARS1-related condition. Last evaluated: 2025-04-15. Review status: criteria provided, single submitter. Criteria: ACMG Guidelines, 2015. Collection method: clinical testing. Allele origin: germline.
Comment: This variant is classified as likely benign based on ACMG/AMP sequence variant interpretation guidelines (Richards et al. 2015 PMID: 25741868, with internal and published modifications).

ARUP Laboratories, Molecular Genetics and Genomics, ARUP Laboratories
Classification: Likely benign. Last evaluated: 2025-03-04. Review status: criteria provided, single submitter. Criteria: ARUP Molecular Germline Variant Investigation Process 2024. Collection method: clinical testing. Allele origin: germline.

GeneDx
Classification: Uncertain significance. Last evaluated: 2024-10-03. Review status: criteria provided, single submitter. Criteria: GeneDx Variant Classification Process June 2021. Collection method: clinical testing. Allele origin: germline. Affected: yes.
Comment: Reported in individuals with Charcot-Marie-Tooth disease; however it was also identified in 2/1090 normal control chromosomes (PMID: 22009580); Reported in an individual with axonal neuropathy; the R729W variant does not segregate with disease in the family as it was observed in both affected and unaffected family members and was absent in affected family members, and the patient was also found to have a variant in another gene that appears to segregate with disease in the family (PMID: 30642740); In silico analysis supports that this missense variant has a deleterious effect on protein structure/function; This variant is associated with the following publications: (PMID: 32376792, 25817015, Elshiekh2020[article], 22009580, 26752306, 30642740)

Illumina Laboratory Services, Illumina
Classification: Benign for Charcot-Marie-Tooth disease axonal type 2N. Last evaluated: 2017-04-28. Review status: criteria provided, single submitter. Criteria: ICSL Variant Classification Criteria 13 December 2019. Collection method: clinical testing. Allele origin: germline.
Comment: This variant was observed as part of a predisposition screen in an ostensibly healthy population. A literature search was performed for the gene, cDNA change, and amino acid change (where applicable). Publications were found based on this search. The evidence from the literature, in combination with allele frequency data from public databases where available, was sufficient to rule this variant out of causing disease. Therefore, this variant is classified as benign.

Center for Pediatric Genomic Medicine, Children's Mercy Hospital and Clinics
Classification: Uncertain significance. Last evaluated: 2017-03-28. Review status: criteria provided, single submitter. Criteria: ACMG Guidelines, 2015. Collection method: clinical testing. Allele origin: germline.

Molecular Genetics Laboratory, London Health Sciences Centre
Classification: Uncertain significance for Charcot-Marie-Tooth disease. Review status: criteria provided, single submitter. Criteria: ACMG Guidelines, 2015. Collection method: clinical testing. Allele origin: germline. Affected: yes.

Clinical Genetics, Academic Medical Center
Classification: Likely benign. Review status: no assertion criteria provided. Collection method: clinical testing. Allele origin: germline. Affected: yes. Study: VKGL Data-share Consensus. Not counted in ClinVar's aggregate classification.

Diagnostic Laboratory, Department of Genetics, University Medical Center Groningen
Classification: Likely benign. Review status: no assertion criteria provided. Collection method: clinical testing. Allele origin: germline. Affected: yes. Study: VKGL Data-share Consensus. Not counted in ClinVar's aggregate classification.

Genome Diagnostics Laboratory, University Medical Center Utrecht
Classification: Likely benign. Review status: no assertion criteria provided. Collection method: clinical testing. Allele origin: germline. Affected: yes. Study: VKGL Data-share Consensus. Not counted in ClinVar's aggregate classification.

Northcott Neuroscience Laboratory, ANZAC Research Institute
Classification: Benign. Review status: no assertion criteria provided. Collection method: not provided. Allele origin: unknown. Not counted in ClinVar's aggregate classification.
Comment: HMN
ClinVar note: Converted during submission from non-pathogenic to Benign.

Literature cited by the submitters: PubMed 26752306 (cited by Ambry Genetics and Illumina Laboratory Services, Illumina); PubMed 28518168 (cited by Ambry Genetics); PubMed 32376792 (cited by Ambry Genetics); PubMed 32461654 (cited by Ambry Genetics); PubMed 22009580 (cited by Illumina Laboratory Services, Illumina).

NM_001605.3(AARS1):c.2185C>T (p.Arg729Trp)

Gene: AARS1 (alanyl-tRNA synthetase 1; minus strand). Cytogenetic location: 16q22.1.
Variant type: single nucleotide variant.
Coding change: c.2185C>T on transcript NM_001605.3 (MANE Select); coding-DNA position 2185, C replaced by T.
Protein change: p.Arg729Trp; replaces arginine 729 with tryptophan.
Molecular consequence: missense variant.
Genome position (GRCh38, 1-based): chr16:70,255,829, G>A on the plus strand (C>T on the coding strand, the complement: AARS1 is on the minus strand). VCF-style: chr16-70255829-G-A. GRCh37 (hg19) VCF-style: chr16-70289732-G-A.
Other names: short protein forms R729W.
Identifiers: ClinVar variation 155734 (VCV000155734.82), dbSNP rs138081804, ClinGen allele CA233065.
Genomic context (GRCh38, chr16:70,255,829, plus strand): 5'-TACCCTTGGCAATGGCTTCTTCCGTCACGATCACAAAAGCTCCTGCATGACTCGAGTTCC[G>A]CAGGTGCCTGAATGGCAGAACACAAAGTCCATAGTGAAAGAGGCCCTGGCAGCCCTTGGC-3'
Protein context (NP_001596.2, residues 719-739): SVEFCGGTHL[Arg729Trp]NSSHAGAFVI